The following is an entry in ClinVar:

ClinVar aggregate classification (germline): Pathogenic; association. Review status: no assertion criteria provided (0 of 4 stars). 2 submissions from 2 submitters: Pathogenic (1). Last evaluated 2020-11-09.

Conditions:
Hearing loss. Identifiers: MedGen C3887873.
Hearing loss, autosomal dominant 78. Also called: DEAFNESS, AUTOSOMAL DOMINANT 78. Identifiers: MedGen C5436768, MONDO:0033665, OMIM 619081.

Submissions (2):

OMIM
Classification: Pathogenic for DEAFNESS, AUTOSOMAL DOMINANT 78. Last evaluated: 2020-11-09. Review status: no assertion criteria provided. Collection method: literature only. Allele origin: germline.

National Institute of Sensory Organs, National Hospital Organization Tokyo Medical Center
Classification: association for Hearing loss. Last evaluated: 2019-09-10. Review status: no assertion criteria provided. Collection method: clinical testing, in vitro. Allele origin: de novo, germline. Inheritance: Sporadic. Affected: yes. Observed: 1 variant allele, 2 heterozygotes. Clinical features observed: Hearing impairment (HP:0000365), Sensorineural hearing loss (HP:0000407), Severe hearing impairment (HP:0012714). Functional consequence: loss_of_function_variant, sequence_variant_affecting_splicing. Segregation with disease observed.
Comment: de novo variant, in vitro experiment, splice site variant

Literature cited by the submitters: PubMed 32294086 (cited by OMIM).

NM_001046.3(SLC12A2):c.2930-2A>G

Gene: SLC12A2 (solute carrier family 12 member 2; plus strand). Cytogenetic location: 5q23.3.
Variant type: single nucleotide variant.
Coding change: c.2930-2A>G on transcript NM_001046.3 (MANE Select); the canonical splice acceptor site of the intron before coding-DNA position 2930, A replaced by G.
Molecular consequence: splice acceptor variant. On other transcripts: intron variant (1).
Genome position (GRCh38, 1-based): chr5:128,177,103, A>G. VCF-style: chr5-128177103-A-G. GRCh37 (hg19) VCF-style: chr5-127512795-A-G.
Other names: IVS21AS, A-G, -2; c.2930-1464A>G (NM_001256461.2).
Identifiers: ClinVar variation 804308 (VCV000804308.4), dbSNP rs1581138932, ClinGen allele CA360737918.
Genomic context (GRCh38, chr5:128,177,103, plus strand): 5'-TTTATTATTTTATTAATATAAAGGCAATTAACATATTTTTGTGTTTTTTAAACATAATCT[A>G]GTTGAGGAAGAGGATGGCAAGACTGCAACTCAACCACTGTTGAAAAAAGGCAGGCATTTT-3'